The following is an entry in ClinVar:

NM_033380.3(COL4A5):c.2202_2204delinsA (p.Leu735fs)

Gene: COL4A5 (collagen type IV alpha 5 chain; plus strand). Cytogenetic location: Xq22.3.
Variant type: Indel.
Coding change: c.2202_2204delinsA on transcript NM_033380.3 (MANE Select); coding-DNA positions 2202 to 2204, TCT replaced by A.
Protein change: p.Leu735fs; shifts the reading frame from leucine 735.
Molecular consequence: frameshift variant.
Genome position (GRCh38, 1-based): chrX:108,603,019-108,603,021, TCT replaced by A. VCF-style: chrX-108603019-TCT-A. GRCh37 (hg19) VCF-style: chrX-107846249-TCT-A.
Other names: c.2202_2204delinsA, p.Leu735fs (NM_000495.5); short protein forms L735fs.
Identifiers: ClinVar variation 1724394 (VCV001724394.2), dbSNP rs2524333149, ClinGen allele CA2580100325.

ClinVar aggregate classification (germline): Likely pathogenic (1 of 4 stars; one submission).

Conditions:
X-linked Alport syndrome (ATS1). Also called: COL4A5-Related Nephropathy; NEPHROPATHY AND DEAFNESS, X-LINKED. Identifiers: Orphanet 63, Orphanet 88917, MedGen C4746986, MONDO:0010520, OMIM 301050.

Submission:

Myriad Genetics, Inc.
Classification: Likely pathogenic for X-linked Alport syndrome. Last evaluated: 2022-02-12. Review status: criteria provided, single submitter. Criteria: Myriad Women's Health Autosomal Recessive and X-Linked Classification Criteria (2021). Collection method: clinical testing. Allele origin: unknown.
Comment: NM_000495.4(COL4A5):c.2202_2204delTCTinsA(L735Rfs*15) is expected to be pathogenic in the context of X-linked Alport syndrome. This variant is predicted to lead to an abnormal or absent protein product due to the creation of a premature termination codon in COL4A5, a gene where loss-of-function variants are known to be pathogenic. Please note: this variant was assessed in the context of healthy population screening.